The following is an entry in ClinVar:

NM_000132.4(F8):c.509C>T (p.Pro170Leu)

Gene: F8 (coagulation factor VIII; minus strand). Cytogenetic location: Xq28.
Variant type: single nucleotide variant.
Coding change: c.509C>T on transcript NM_000132.4 (MANE Select); coding-DNA position 509, C replaced by T.
Protein change: p.Pro170Leu; replaces proline 170 with leucine.
Molecular consequence: missense variant.
Genome position (GRCh38, 1-based): chrX:154,993,028, G>A on the plus strand (C>T on the coding strand, the complement: F8 is on the minus strand). VCF-style: chrX-154993028-G-A. GRCh37 (hg19) VCF-style: chrX-154221303-G-A.
Other names: short protein forms P170L.
Identifiers: ClinVar variation 1684381 (VCV001684381.2), dbSNP rs2124140933, ClinGen allele CA414919558.

ClinVar aggregate classification (germline): Uncertain significance. Review status: criteria provided, single submitter (1 of 4 stars). 2 submissions from 2 submitters: Uncertain significance (1). 1 of the submissions does not count toward it. Last evaluated 2024-10-28.

Conditions:
Hereditary factor VIII deficiency disease (HEMA). Also called: HEMOPHILIA, CLASSIC; AUTOSOMAL HEMOPHILIA A; Hemophilia A; Hemophilia A, congenital; HEM A; Factor 8 deficiency, congenital. Identifiers: Orphanet 98878, MedGen C0019069, MONDO:0010602, OMIM 306700.

Submissions (2):

Women's Health and Genetics/Laboratory Corporation of America, LabCorp
Classification: Uncertain significance. Last evaluated: 2024-10-28. Review status: criteria provided, single submitter. Criteria: LabCorp Variant Classification Summary - May 2015. Collection method: clinical testing. Allele origin: germline.
Comment: Variant summary: F8 c.509C>T (p.Pro170Leu) results in a non-conservative amino acid change located in the Multicopper oxidase-like, N-terminal domain (IPR011707) of the encoded protein sequence. Five of five in-silico tools predict a damaging effect of the variant on protein function. The variant was absent in 183442 control chromosomes. The available data on variant occurrences in the general population are insufficient to allow any conclusion about variant significance. To our knowledge, no occurrence of c.509C>T in individuals affected with Factor VIII Deficiency (Hemophilia A) and no experimental evidence demonstrating its impact on protein function have been reported. ClinVar contains an entry for this variant (Variation ID: 1684381). Based on the evidence outlined above, the variant was classified as uncertain significance.

ISTH-SSC Genomics in Thrombosis and Hemostasis, KU Leuven, Center for Molecular and Vascular Biology
Classification: Likely pathogenic for Hereditary factor VIII deficiency disease. Review status: no assertion criteria provided. Collection method: research. Allele origin: unknown. Affected: yes. Not counted in ClinVar's aggregate classification.
Comment: Submitted to GoldVariant by Dr Karyn Mégy from NIHR Bioresource - Cambridge University, UK